The following is an entry in ClinVar:

ClinVar aggregate classification (germline): Benign/Likely benign. Review status: criteria provided, multiple submitters, no conflicts (2 of 4 stars). 7 submissions from 7 submitters: Benign (2); Likely benign (4). 1 of the submissions does not count toward it. Last evaluated 2026-01-28.

Conditions:
Hereditary cancer-predisposing syndrome. Also called: Tumor predisposition; Hereditary Cancer Syndrome; Neoplastic Syndromes, Hereditary; Hereditary neoplastic syndrome. Identifiers: Orphanet 140162, MedGen C0027672, MeSH D009386, MONDO:0015356.
POLE-related disorder. Also called: POLE-related condition; POLE-related disorders.

Allele frequency attached by ClinVar (database versions not stated): gnomAD exomes 0.00002 and 0.00006; TOPMed 0.00007; ESP Exome Variant Server 0.00008; gnomAD 0.00008 and 0.00009; ExAC 0.00009; 1000 Genomes Project 30x 0.00016; 1000 Genomes Project 0.00020.
gnomAD v4.1: 34 of 1,614,024 alleles (0.0021%); highest among the groups gnomAD compares: East Asian, 0.033%; no homozygotes.

Submissions (7):

Labcorp Genetics (formerly Invitae), Labcorp
Classification: Benign. Last evaluated: 2026-01-28. Review status: criteria provided, single submitter. Criteria: Invitae Variant Classification Sherloc (09022015). Collection method: clinical testing. Allele origin: germline.

Center for Genomic Medicine, Rigshospitalet, Copenhagen University Hospital
Classification: Likely benign. Last evaluated: 2025-03-04. Review status: criteria provided, single submitter. Criteria: ACMG Guidelines, 2015. Collection method: clinical testing. Allele origin: germline.

Blueprint Genetics
Classification: Likely benign. Last evaluated: 2022-06-23. Review status: criteria provided, single submitter. Criteria: ACMG Guidelines, 2015. Collection method: clinical testing. Allele origin: germline.

GeneDx
Classification: Likely benign. Last evaluated: 2019-03-26. Review status: criteria provided, single submitter. Criteria: GeneDx Variant Classification Process June 2021. Collection method: clinical testing. Allele origin: germline. Affected: yes.

Quest Diagnostics Nichols Institute San Juan Capistrano
Classification: Benign. Last evaluated: 2018-04-20. Review status: criteria provided, single submitter. Criteria: Quest Diagnostics criteria. Collection method: clinical testing. Allele origin: germline.

Ambry Genetics
Classification: Likely benign for Hereditary cancer-predisposing syndrome. Last evaluated: 2016-03-17. Review status: criteria provided, single submitter. Criteria: Ambry Variant Classification Scheme 2023. Collection method: clinical testing. Allele origin: germline.

PreventionGenetics, part of Exact Sciences
Classification: Likely benign for POLE-related condition. Last evaluated: 2022-07-06. Review status: no assertion criteria provided. Collection method: clinical testing. Allele origin: germline. Not counted in ClinVar's aggregate classification.
Comment: This variant is classified as likely benign based on ACMG/AMP sequence variant interpretation guidelines (Richards et al. 2015 PMID: 25741868, with internal and published modifications).

NM_006231.4(POLE):c.4719C>T (p.Leu1573=)

Gene: POLE (DNA polymerase epsilon, catalytic subunit; minus strand). Cytogenetic location: 12q24.33.
Variant type: single nucleotide variant.
Coding change: c.4719C>T on transcript NM_006231.4 (MANE Select); coding-DNA position 4719, C replaced by T.
Protein change: p.Leu1573=; no amino-acid change (leucine 1573 retained).
Molecular consequence: synonymous variant.
Genome position (GRCh38, 1-based): chr12:132,642,829, G>A on the plus strand (C>T on the coding strand, the complement: POLE is on the minus strand). VCF-style: chr12-132642829-G-A. GRCh37 (hg19) VCF-style: chr12-133219415-G-A.
Identifiers: ClinVar variation 484464 (VCV000484464.62), dbSNP rs115219846, ClinGen allele CA6892739.